The following is an entry in ClinVar:

NM_022482.5(GZF1):c.1697G>A (p.Arg566His)

Gene: GZF1 (GDNF inducible zinc finger protein 1; plus strand). Cytogenetic location: 20p11.21.
Variant type: single nucleotide variant.
Coding change: c.1697G>A on transcript NM_022482.5 (MANE Select); coding-DNA position 1697, G replaced by A.
Protein change: p.Arg566His; replaces arginine 566 with histidine.
Molecular consequence: missense variant.
Genome position (GRCh38, 1-based): chr20:23,369,653, G>A. VCF-style: chr20-23369653-G-A. GRCh37 (hg19) VCF-style: chr20-23350290-G-A.
Other names: c.1697G>A, p.Arg566His (NM_001317012.2, NM_001317019.1); c.1697G>A (NM_022482.4); short protein forms R566H.
Identifiers: ClinVar variation 1525852 (VCV001525852.7), dbSNP rs144872945, ClinGen allele CA9788780.

ClinVar aggregate classification (germline): Conflicting classifications of pathogenicity. Review status: criteria provided, conflicting classifications (1 of 4 stars). 4 submissions from 4 submitters: Uncertain significance (2); Likely benign (2). Last evaluated 2026-08-11.

Conditions:
GZF1-related disorder. Also called: GZF1-related condition.

Allele frequency attached by ClinVar (database versions not stated): gnomAD 0.00049 and 0.00055; ExAC 0.00055; gnomAD exomes 0.00057 and 0.00061; TOPMed 0.00060; 1000 Genomes Project 0.00100; ESP Exome Variant Server 0.00100; 1000 Genomes Project 30x 0.00109.
gnomAD v4.1: 934 of 1,613,114 alleles (0.058%); highest among the groups gnomAD compares: Middle Eastern, 0.76%; 3 homozygotes.

Submissions (4):

PreventionGenetics, part of Exact Sciences
Classification: Likely benign for GZF1-related condition. Last evaluated: 2026-08-11. Review status: criteria provided, single submitter. Criteria: ACMG Guidelines, 2015. Collection method: clinical testing. Allele origin: germline.
Comment: This variant is classified as likely benign based on ACMG/AMP sequence variant interpretation guidelines (Richards et al. 2015 PMID: 25741868, with internal and published modifications).

Blueprint Genetics
Classification: Likely benign. Last evaluated: 2024-11-25. Review status: criteria provided, single submitter. Criteria: ACMG Guidelines, 2015. Collection method: clinical testing. Allele origin: germline.

Labcorp Genetics (formerly Invitae), Labcorp
Classification: Uncertain significance. Last evaluated: 2024-01-24. Review status: criteria provided, single submitter. Criteria: Invitae Variant Classification Sherloc (09022015). Collection method: clinical testing. Allele origin: germline.
Comment: This sequence change replaces arginine, which is basic and polar, with histidine, which is basic and polar, at codon 566 of the GZF1 protein (p.Arg566His). This variant is present in population databases (rs144872945, gnomAD 0.09%), and has an allele count higher than expected for a pathogenic variant. This variant has not been reported in the literature in individuals affected with GZF1-related conditions. ClinVar contains an entry for this variant (Variation ID: 1525852). Algorithms developed to predict the effect of missense changes on protein structure and function output the following: SIFT: "Not Available"; PolyPhen-2: "Benign"; Align-GVGD: "Not Available". The histidine amino acid residue is found in multiple mammalian species, which suggests that this missense change does not adversely affect protein function. In summary, the available evidence is currently insufficient to determine the role of this variant in disease. Therefore, it has been classified as a Variant of Uncertain Significance.

Breakthrough Genomics
Classification: Uncertain significance. Review status: criteria provided, single submitter. Criteria: ACMG Guidelines, 2015. Collection method: not provided. Allele origin: germline. Inheritance: Autosomal dominant inheritance. Affected: yes.